The following is an entry in ClinVar:

NM_006204.4(PDE6C):c.2333G>C (p.Gly778Ala)

Gene: PDE6C (phosphodiesterase 6C; plus strand). Cytogenetic location: 10q23.33.
Variant type: single nucleotide variant.
Coding change: c.2333G>C on transcript NM_006204.4 (MANE Select); coding-DNA position 2333, G replaced by C.
Protein change: p.Gly778Ala; replaces glycine 778 with alanine.
Molecular consequence: missense variant.
Genome position (GRCh38, 1-based): chr10:93,662,609, G>C. VCF-style: chr10-93662609-G-C. GRCh37 (hg19) VCF-style: chr10-95422366-G-C.
Other names: short protein forms G778A.
Identifiers: ClinVar variation 1471239 (VCV001471239.6), dbSNP rs761399272, ClinGen allele CA5610475.

ClinVar aggregate classification (germline): Uncertain significance (1 of 4 stars; one submission).

Allele frequency attached by ClinVar (database versions not stated): ExAC 0.00001; gnomAD exomes 0.00002 and 0.00003.
gnomAD v4.1: 38 of 1,483,260 alleles (0.0026%); highest among the groups gnomAD compares: Non-Finnish European, 0.0035%; no homozygotes.

Submission:

Labcorp Genetics (formerly Invitae), Labcorp
Classification: Uncertain significance. Last evaluated: 2022-06-20. Review status: criteria provided, single submitter. Criteria: Invitae Variant Classification Sherloc (09022015). Collection method: clinical testing. Allele origin: germline.
Comment: In summary, the available evidence is currently insufficient to determine the role of this variant in disease. Therefore, it has been classified as a Variant of Uncertain Significance. Algorithms developed to predict the effect of missense changes on protein structure and function are either unavailable or do not agree on the potential impact of this missense change (SIFT: "Tolerated"; PolyPhen-2: "Probably Damaging"; Align-GVGD: "Class C0"). This variant has not been reported in the literature in individuals affected with PDE6C-related conditions. This variant is present in population databases (rs761399272, gnomAD 0.004%). This sequence change replaces glycine, which is neutral and non-polar, with alanine, which is neutral and non-polar, at codon 778 of the PDE6C protein (p.Gly778Ala).